The following is an entry in ClinVar:

NM_001145358.2(SIN3A):c.1551G>A (p.Trp517Ter)

Gene: SIN3A (SIN3 transcription regulator family member A; minus strand). Cytogenetic location: 15q24.2.
Variant type: single nucleotide variant.
Coding change: c.1551G>A on transcript NM_001145358.2 (MANE Select); coding-DNA position 1551, G replaced by A.
Protein change: p.Trp517Ter; replaces tryptophan 517 with a stop codon.
Molecular consequence: nonsense.
Genome position (GRCh38, 1-based): chr15:75,400,916, C>T on the plus strand (G>A on the coding strand, the complement: SIN3A is on the minus strand). VCF-style: chr15-75400916-C-T. GRCh37 (hg19) VCF-style: chr15-75693257-C-T.
Other names: c.1551G>A, p.Trp517Ter (NM_001145357.2, NM_015477.3); short protein forms W517*.
Identifiers: ClinVar variation 3340873 (VCV003340873.1).

ClinVar aggregate classification (germline): Pathogenic (1 of 4 stars; one submission).

Submission:

GeneDx
Classification: Pathogenic. Last evaluated: 2024-01-28. Review status: criteria provided, single submitter. Criteria: GeneDx Variant Classification Process June 2021. Collection method: clinical testing. Allele origin: germline. Affected: yes.
Comment: Nonsense variant predicted to result in protein truncation or nonsense mediated decay in a gene for which loss-of-function is a known mechanism of disease; Not observed at significant frequency in large population cohorts (gnomAD); Has not been previously published as pathogenic or benign to our knowledge